The following is an entry in ClinVar:

NM_002907.4(RECQL):c.1216+5G>T

Gene: RECQL (RecQ like helicase; minus strand). Cytogenetic location: 12p12.1.
Variant type: single nucleotide variant.
Coding change: c.1216+5G>T on transcript NM_002907.4 (MANE Select); 5 bases into the intron after coding-DNA position 1216, G replaced by T.
Molecular consequence: intron variant.
Genome position (GRCh38, 1-based): chr12:21,475,463, C>A on the plus strand (G>T on the coding strand, the complement: RECQL is on the minus strand). VCF-style: chr12-21475463-C-A. GRCh37 (hg19) VCF-style: chr12-21628397-C-A.
Other names: c.1216+5G>T (NM_032941.3).
Identifiers: ClinVar variation 4752526 (VCV004752526.1).
Genomic context (GRCh38, chr12:21,475,463, plus strand): 5'-CATTTATCATGTATTTTTTGGAAAAGCTTTCTAAAAATTTACTTCTGGATTTGAGTCCTA[C>A]ATACCTGCACGTCCACTCTCTTGGTAATAATTTTCCATGGATTTACTCATTGAATGATGG-3'

ClinVar aggregate classification (germline): Uncertain significance (1 of 4 stars; one submission).

Submission:

Labcorp Genetics (formerly Invitae), Labcorp
Classification: Uncertain significance. Last evaluated: 2025-11-25. Review status: criteria provided, single submitter. Criteria: Invitae Variant Classification Sherloc (09022015). Collection method: clinical testing. Allele origin: germline.
Comment: This sequence change falls in intron 10 of the RECQL gene. It does not directly change the encoded amino acid sequence of the RECQL protein. It affects a nucleotide within the consensus splice site. This variant is not present in population databases (gnomAD no frequency). This variant has not been reported in the literature in individuals affected with RECQL-related conditions. Variants that disrupt the consensus splice site are a relatively common cause of aberrant splicing (PMID: 17576681, 9536098). Algorithms developed to predict the effect of sequence changes on RNA splicing suggest that this variant may disrupt the consensus splice site. In summary, the available evidence is currently insufficient to determine the role of this variant in disease. Therefore, it has been classified as a Variant of Uncertain Significance.

Literature cited by the submitters: PubMed 17576681; PubMed 9536098.